The following is an entry in ClinVar:

ClinVar aggregate classification (germline): Uncertain significance (1 of 4 stars; one submission).

Submission:

CeGaT Center for Human Genetics Tuebingen
Classification: Uncertain significance. Last evaluated: 2022-07-01. Review status: criteria provided, single submitter. Criteria: CeGaT Center For Human Genetics Tuebingen Variant Classification Criteria Version 2. Collection method: clinical testing. Allele origin: germline. Affected: yes. Observed: 1 variant allele.
Comment: TTBK2: PM2

NM_173500.4(TTBK2):c.820C>G (p.Gln274Glu)

Gene: TTBK2 (tau tubulin kinase 2; minus strand). Cytogenetic location: 15q15.2.
Variant type: single nucleotide variant.
Coding change: c.820C>G on transcript NM_173500.4 (MANE Select); coding-DNA position 820, C replaced by G.
Protein change: p.Gln274Glu; replaces glutamine 274 with glutamic acid.
Molecular consequence: missense variant.
Genome position (GRCh38, 1-based): chr15:42,810,616, G>C on the plus strand (C>G on the coding strand, the complement: TTBK2 is on the minus strand). VCF-style: chr15-42810616-G-C. GRCh37 (hg19) VCF-style: chr15-43102814-G-C.
Other names: short protein forms Q274E.
Identifiers: ClinVar variation 2645260 (VCV002645260.24), dbSNP rs1255740662, ClinGen allele CA392043291.